The following is an entry in ClinVar:

ClinVar aggregate classification (germline): Likely pathogenic (1 of 4 stars; one submission).

gnomAD v4.1: 1 of 1,613,066 alleles (0.000062%); highest among the groups gnomAD compares: Admixed American, 0.0017%; no homozygotes.

Submission:

Labcorp Genetics (formerly Invitae), Labcorp
Classification: Likely pathogenic. Last evaluated: 2026-01-01. Review status: criteria provided, single submitter. Criteria: Invitae Variant Classification Sherloc (09022015). Collection method: clinical testing. Allele origin: germline.
Comment: This sequence change affects a donor splice site in intron 2 of the GRM6 gene. It is expected to disrupt RNA splicing. Variants that disrupt the donor or acceptor splice site typically lead to a loss of protein function (PMID: 16199547), and loss-of-function variants in GRM6 are known to be pathogenic (PMID: 15781871, 16622103, 22008250). This variant is not present in population databases (gnomAD no frequency). This variant has not been reported in the literature in individuals affected with GRM6-related conditions. Algorithms developed to predict the effect of sequence changes on RNA splicing suggest that this variant may disrupt the consensus splice site. In summary, the currently available evidence indicates that the variant is pathogenic, but additional data are needed to prove that conclusively. Therefore, this variant has been classified as Likely Pathogenic.

Literature cited by the submitters: PubMed 16199547; PubMed 15781871; PubMed 16622103; PubMed 22008250.

NM_000843.4(GRM6):c.721+1G>T

Gene: GRM6 (glutamate metabotropic receptor 6; minus strand). Cytogenetic location: 5q35.3.
Variant type: single nucleotide variant.
Coding change: c.721+1G>T on transcript NM_000843.4 (MANE Select); the canonical splice donor site of the intron after coding-DNA position 721, G replaced by T.
Molecular consequence: splice donor variant.
Genome position (GRCh38, 1-based): chr5:178,991,866, C>A on the plus strand (G>T on the coding strand, the complement: GRM6 is on the minus strand). VCF-style: chr5-178991866-C-A. GRCh37 (hg19) VCF-style: chr5-178418867-C-A.
Identifiers: ClinVar variation 4805920 (VCV004805920.1).
Genomic context (GRCh38, chr5:178,991,866, plus strand): 5'-AACTGAGGGCCCCGGGCCCACACTATGTAGACTCCTTGGTGCCTCGGAGCCCCCAGCTCA[C>A]CAGCCTCTCGGGAGATCTGAACGAAGGCCTCAACCCCACTTTCGCCATAGTTGCCCTCGG-3'